The following is an entry in ClinVar:

NM_004700.4(KCNQ4):c.1655C>G (p.Thr552Arg)

Gene: KCNQ4 (potassium voltage-gated channel subfamily Q member 4; plus strand). Cytogenetic location: 1p34.2.
Variant type: single nucleotide variant.
Coding change: c.1655C>G on transcript NM_004700.4 (MANE Select); coding-DNA position 1655, C replaced by G.
Protein change: p.Thr552Arg; replaces threonine 552 with arginine.
Molecular consequence: missense variant.
Genome position (GRCh38, 1-based): chr1:40,835,008, C>G. VCF-style: chr1-40835008-C-G. GRCh37 (hg19) VCF-style: chr1-41300680-C-G.
Other names: c.1493C>G, p.Thr498Arg (NM_172163.3); short protein forms T498R, T552R.
Identifiers: ClinVar variation 3655190 (VCV003655190.2).

ClinVar aggregate classification (germline): Uncertain significance (1 of 4 stars; one submission).

Submission:

Labcorp Genetics (formerly Invitae), Labcorp
Classification: Uncertain significance. Last evaluated: 2024-05-31. Review status: criteria provided, single submitter. Criteria: Invitae Variant Classification Sherloc (09022015). Collection method: clinical testing. Allele origin: germline.
Comment: This sequence change replaces threonine, which is neutral and polar, with arginine, which is basic and polar, at codon 552 of the KCNQ4 protein (p.Thr552Arg). This variant is not present in population databases (gnomAD no frequency). This variant has not been reported in the literature in individuals affected with KCNQ4-related conditions. Advanced modeling of protein sequence and biophysical properties (such as structural, functional, and spatial information, amino acid conservation, physicochemical variation, residue mobility, and thermodynamic stability) has been performed at Invitae for this missense variant, however the output from this modeling did not meet the statistical confidence thresholds required to predict the impact of this variant on KCNQ4 protein function. In summary, the available evidence is currently insufficient to determine the role of this variant in disease. Therefore, it has been classified as a Variant of Uncertain Significance.